The following is an entry in ClinVar:

NM_014946.4(SPAST):c.1723A>G (p.Ser575Gly)

Gene: SPAST (spastin; plus strand). Cytogenetic location: 2p22.3.
Variant type: single nucleotide variant.
Coding change: c.1723A>G on transcript NM_014946.4 (MANE Select); coding-DNA position 1723, A replaced by G.
Protein change: p.Ser575Gly; replaces serine 575 with glycine.
Molecular consequence: missense variant.
Genome position (GRCh38, 1-based): chr2:32,147,253, A>G. VCF-style: chr2-32147253-A-G. GRCh37 (hg19) VCF-style: chr2-32372322-A-G.
Other names: c.1720A>G, p.Ser574Gly (NM_001363823.2); c.1624A>G, p.Ser542Gly (NM_001363875.2); c.1556A>G, p.Gln519Arg (NM_001377959.1); c.1627A>G, p.Ser543Gly (NM_199436.2); short protein forms Q519R, S542G, S543G, S574G, S575G.
Identifiers: ClinVar variation 4071723 (VCV004071723.1).

ClinVar aggregate classification (germline): Uncertain significance (1 of 4 stars; one submission).

Submission:

GeneDx
Classification: Uncertain significance. Last evaluated: 2025-01-22. Review status: criteria provided, single submitter. Criteria: GeneDx Variant Classification Process June 2021. Collection method: clinical testing. Allele origin: germline. Affected: yes.
Comment: Not observed at significant frequency in large population cohorts (gnomAD); In silico analysis supports that this missense variant has a deleterious effect on protein structure/function; In silico analysis supports a deleterious effect on splicing; Has not been previously published as pathogenic or benign to our knowledge; This variant is associated with the following publications: (PMID: 26094131, 21139634)